The following is an entry in ClinVar:

NM_020318.3(PAPPA2):c.4933T>C (p.Leu1645=)

Gene: PAPPA2 (pappalysin 2; plus strand). Cytogenetic location: 1q25.2.
Variant type: single nucleotide variant.
Coding change: c.4933T>C on transcript NM_020318.3 (MANE Select); coding-DNA position 4933, T replaced by C.
Protein change: p.Leu1645=; no amino-acid change (leucine 1645 retained).
Molecular consequence: synonymous variant.
Genome position (GRCh38, 1-based): chr1:176,791,395, T>C. VCF-style: chr1-176791395-T-C. GRCh37 (hg19) VCF-style: chr1-176760531-T-C.
Identifiers: ClinVar variation 2639584 (VCV002639584.24), dbSNP rs1338093928, ClinGen allele CA421948954.

ClinVar aggregate classification (germline): Likely benign (1 of 4 stars; one submission).

Allele frequency attached by ClinVar (database versions not stated): gnomAD exomes below 0.00001; gnomAD 0.00001; TOPMed 0.00001.
gnomAD v4.1: 7 of 1,612,534 alleles (0.00043%); highest among the groups gnomAD compares: East Asian, 0.0022%; no homozygotes.

Submission:

CeGaT Center for Human Genetics Tuebingen
Classification: Likely benign. Last evaluated: 2022-09-01. Review status: criteria provided, single submitter. Criteria: CeGaT Center For Human Genetics Tuebingen Variant Classification Criteria Version 2. Collection method: clinical testing. Allele origin: germline. Affected: yes. Observed: 1 variant allele.
Comment: PAPPA2: BP4, BP7